The following is an entry in ClinVar:

NM_006231.4(POLE):c.1111T>C (p.Phe371Leu)

Gene: POLE (DNA polymerase epsilon, catalytic subunit; minus strand). Cytogenetic location: 12q24.33.
Variant type: single nucleotide variant.
Coding change: c.1111T>C on transcript NM_006231.4 (MANE Select); coding-DNA position 1111, T replaced by C.
Protein change: p.Phe371Leu; replaces phenylalanine 371 with leucine.
Molecular consequence: missense variant.
Genome position (GRCh38, 1-based): chr12:132,675,513, A>G on the plus strand (T>C on the coding strand, the complement: POLE is on the minus strand). VCF-style: chr12-132675513-A-G. GRCh37 (hg19) VCF-style: chr12-133252099-A-G.
Other names: short protein forms F371L.
Identifiers: ClinVar variation 577961 (VCV000577961.17), dbSNP rs1565975308, ClinGen allele CA387361219.

ClinVar aggregate classification (germline): Uncertain significance. Review status: criteria provided, multiple submitters, no conflicts (2 of 4 stars). 3 submissions from 3 submitters: Uncertain significance (3). Last evaluated 2026-01-13.

Conditions:
Hereditary cancer-predisposing syndrome. Also called: Neoplastic Syndromes, Hereditary; Hereditary neoplastic syndrome; Tumor predisposition; Hereditary Cancer Syndrome. Identifiers: Orphanet 140162, MedGen C0027672, MeSH D009386, MONDO:0015356.

Allele frequency attached by ClinVar (database versions not stated): gnomAD exomes below 0.00001; TOPMed below 0.00001; gnomAD 0.00001.
gnomAD v4.1: 4 of 1,613,878 alleles (0.00025%); highest among the groups gnomAD compares: Non-Finnish European, 0.00025%; no homozygotes.

Submissions (3):

Ambry Genetics
Classification: Uncertain significance for Hereditary cancer-predisposing syndrome. Last evaluated: 2026-01-13. Review status: criteria provided, single submitter. Criteria: Ambry Variant Classification Scheme 2023. Collection method: clinical testing. Allele origin: germline.
Comment: The p.F371L variant (also known as c.1111T>C), located in coding exon 12 of the POLE gene, results from a T to C substitution at nucleotide position 1111. The phenylalanine at codon 371 is replaced by leucine, an amino acid with highly similar properties. This amino acid position is highly conserved in available vertebrate species. In addition, the in silico prediction for this alteration is inconclusive. Based on the available evidence, the clinical significance of this variant remains unclear.

Labcorp Genetics (formerly Invitae), Labcorp
Classification: Uncertain significance. Last evaluated: 2025-10-14. Review status: criteria provided, single submitter. Criteria: Invitae Variant Classification Sherloc (09022015). Collection method: clinical testing. Allele origin: germline.
Comment: This sequence change replaces phenylalanine, which is neutral and non-polar, with leucine, which is neutral and non-polar, at codon 371 of the POLE protein (p.Phe371Leu). This variant is not present in population databases (gnomAD no frequency). This variant has not been reported in the literature in individuals affected with POLE-related conditions. ClinVar contains an entry for this variant (Variation ID: 577961). Invitae Evidence Modeling of protein sequence and biophysical properties (such as structural, functional, and spatial information, amino acid conservation, physicochemical variation, residue mobility, and thermodynamic stability) indicates that this missense variant is expected to disrupt POLE protein function with a positive predictive value of 80%. In summary, the available evidence is currently insufficient to determine the role of this variant in disease. Therefore, it has been classified as a Variant of Uncertain Significance.

GeneDx
Classification: Uncertain significance. Last evaluated: 2022-10-13. Review status: criteria provided, single submitter. Criteria: GeneDx Variant Classification Process June 2021. Collection method: clinical testing. Allele origin: germline. Affected: yes.
Comment: Not observed at significant frequency in large population cohorts (gnomAD); In silico analysis supports that this missense variant has a deleterious effect on protein structure/function; Has not been previously published as pathogenic or benign to our knowledge; This variant is associated with the following publications: (PMID: 20951805)